The following is an entry in ClinVar:

ClinVar aggregate classification (germline): Pathogenic (1 of 4 stars; one submission).

Submission:

GeneDx
Classification: Pathogenic. Last evaluated: 2022-08-31. Review status: criteria provided, single submitter. Criteria: GeneDx Variant Classification Process June 2021. Collection method: clinical testing. Allele origin: germline. Affected: yes.
Comment: Not observed at significant frequency in large population cohorts (gnomAD); In silico analysis supports that this missense variant has a deleterious effect on protein structure/function; This variant is associated with the following publications: (PMID: 29681083, 35422912, 32266967)

NM_001348800.3(ZBTB20):c.1906T>C (p.Cys636Arg)

Gene: ZBTB20 (zinc finger and BTB domain containing 20; minus strand). Cytogenetic location: 3q13.31.
Variant type: single nucleotide variant.
Coding change: c.1906T>C on transcript NM_001348800.3 (MANE Select); coding-DNA position 1906, T replaced by C.
Protein change: p.Cys636Arg; replaces cysteine 636 with arginine.
Molecular consequence: missense variant. On other transcripts: non-coding transcript variant (1).
Genome position (GRCh38, 1-based): chr3:114,339,325, A>G on the plus strand (T>C on the coding strand, the complement: ZBTB20 is on the minus strand). VCF-style: chr3-114339325-A-G. GRCh37 (hg19) VCF-style: chr3-114058172-A-G.
Other names: c.1906T>C, p.Cys636Arg (NM_001164342.2, NM_001348803.3, NM_001393393.1 and 1 more transcripts); c.1687T>C, p.Cys563Arg (NM_001164343.2, NM_001164344.4, NM_001164345.4 and 9 more transcripts); short protein forms C563R, C636R.
Identifiers: ClinVar variation 2442541 (VCV002442541.1), dbSNP rs2550438639, ClinGen allele CA354001076.